The following is an entry in ClinVar:

ClinVar aggregate classification (germline): Likely benign. Review status: criteria provided, multiple submitters, no conflicts (2 of 4 stars). 2 submissions from 2 submitters: Likely benign (2). Last evaluated 2022-06-01.

Allele frequency attached by ClinVar (database versions not stated): ESP Exome Variant Server 0.00009; gnomAD 0.00013; gnomAD exomes 0.00013; TOPMed 0.00013; ExAC 0.00014.
gnomAD v4.1: 159 of 1,207,304 alleles (0.013%); highest among the groups gnomAD compares: Non-Finnish European, 0.016%; no homozygotes.

Submissions (2):

CeGaT Center for Human Genetics Tuebingen
Classification: Likely benign. Last evaluated: 2022-06-01. Review status: criteria provided, single submitter. Criteria: CeGaT Center For Human Genetics Tuebingen Variant Classification Criteria Version 2. Collection method: clinical testing. Allele origin: germline. Affected: yes. Observed: 1 variant allele.
Comment: BEND2: BP4, BP7

Breakthrough Genomics
Classification: Likely benign. Review status: criteria provided, single submitter. Criteria: ACMG Guidelines, 2015. Collection method: not provided. Allele origin: germline. Inheritance: Unknown mechanism. Affected: yes.

NM_153346.5(BEND2):c.1101A>G (p.Thr367=)

Gene: BEND2 (BEN domain containing 2; minus strand). Cytogenetic location: Xp22.13.
Variant type: single nucleotide variant.
Coding change: c.1101A>G on transcript NM_153346.5 (MANE Select); coding-DNA position 1101, A replaced by G.
Protein change: p.Thr367=; no amino-acid change (threonine 367 retained).
Molecular consequence: synonymous variant. On other transcripts: intron variant (1).
Genome position (GRCh38, 1-based): chrX:18,195,375, T>C on the plus strand (A>G on the coding strand, the complement: BEND2 is on the minus strand). VCF-style: chrX-18195375-T-C. GRCh37 (hg19) VCF-style: chrX-18213495-T-C.
Other names: c.908-4267A>G (NM_001184767.2).
Identifiers: ClinVar variation 2660096 (VCV002660096.25), dbSNP rs374513037, ClinGen allele CA10359626.